The following is an entry in ClinVar:

NM_001366686.3(SIK3):c.3099C>T (p.Ile1033=)

Gene: SIK3 (SIK family kinase 3; minus strand). Cytogenetic location: 11q23.3.
Variant type: single nucleotide variant.
Coding change: c.3099C>T on transcript NM_001366686.3 (MANE Select); coding-DNA position 3099, C replaced by T.
Protein change: p.Ile1033=; no amino-acid change (isoleucine 1033 retained).
Molecular consequence: synonymous variant.
Genome position (GRCh38, 1-based): chr11:116,858,366, G>A on the plus strand (C>T on the coding strand, the complement: SIK3 is on the minus strand). VCF-style: chr11-116858366-G-A. GRCh37 (hg19) VCF-style: chr11-116729082-G-A.
Other names: c.2298C>T, p.Ile766= (NM_001281748.3); c.2775C>T, p.Ile925= (NM_001281749.3); c.2955C>T, p.Ile985= (NM_025164.6).
Identifiers: ClinVar variation 2642400 (VCV002642400.25), dbSNP rs140347311, ClinGen allele CA6290244.

ClinVar aggregate classification (germline): Likely benign. Review status: criteria provided, multiple submitters, no conflicts (2 of 4 stars). 2 submissions from 2 submitters: Likely benign (2). Last evaluated 2024-11-26.

Allele frequency attached by ClinVar (database versions not stated): gnomAD 0.00243; ESP Exome Variant Server 0.00292; 1000 Genomes Project 0.00359; 1000 Genomes Project 30x 0.00406.
gnomAD v4.1: 724 of 1,613,770 alleles (0.045%); highest among the groups gnomAD compares: African/African-American, 0.83%; 2 homozygotes.

Submissions (2):

Blueprint Genetics
Classification: Likely benign. Last evaluated: 2024-11-26. Review status: criteria provided, single submitter. Criteria: ACMG Guidelines, 2015. Collection method: clinical testing. Allele origin: germline.

CeGaT Center for Human Genetics Tuebingen
Classification: Likely benign. Last evaluated: 2022-09-01. Review status: criteria provided, single submitter. Criteria: CeGaT Center For Human Genetics Tuebingen Variant Classification Criteria Version 2. Collection method: clinical testing. Allele origin: germline. Affected: yes. Observed: 1 variant allele.
Comment: SIK3: BP4, BP7